The following is an entry in ClinVar:

NM_177438.3(DICER1):c.5174G>A (p.Arg1725Gln)

Gene: DICER1 (dicer 1, ribonuclease III; minus strand). Cytogenetic location: 14q32.13.
Variant type: single nucleotide variant.
Coding change: c.5174G>A on transcript NM_177438.3 (MANE Select); coding-DNA position 5174, G replaced by A.
Protein change: p.Arg1725Gln; replaces arginine 1725 with glutamine.
Molecular consequence: missense variant.
Genome position (GRCh38, 1-based): chr14:95,094,078, C>T on the plus strand (G>A on the coding strand, the complement: DICER1 is on the minus strand). VCF-style: chr14-95094078-C-T. GRCh37 (hg19) VCF-style: chr14-95560415-C-T.
Other names: c.5174G>A, p.Arg1725Gln (NM_001195573.1, NM_001271282.3, NM_001291628.2 and 1 more transcripts); short protein forms R1725Q.
Identifiers: ClinVar variation 933037 (VCV000933037.8), dbSNP rs751273916, ClinGen allele CA7330710.

ClinVar aggregate classification (germline): Uncertain significance. Review status: criteria provided, multiple submitters, no conflicts (2 of 4 stars). 3 submissions from 3 submitters: Uncertain significance (3). Last evaluated 2024-05-14.

Conditions:
DICER1-related tumor predisposition. Also called: DICER1-related pleuropulmonary blastoma cancer predisposition syndrome; DICER1 syndrome. Identifiers: Orphanet 284343, MedGen C3839822, MONDO:0100216.
Hereditary cancer-predisposing syndrome. Also called: Tumor predisposition; Hereditary neoplastic syndrome; Neoplastic Syndromes, Hereditary; Hereditary Cancer Syndrome. Identifiers: Orphanet 140162, MedGen C0027672, MeSH D009386, MONDO:0015356.

Allele frequency attached by ClinVar (database versions not stated): gnomAD exomes below 0.00001; TOPMed below 0.00001; ExAC 0.00001.
gnomAD v4.1: 4 of 1,614,036 alleles (0.00025%); highest among the groups gnomAD compares: South Asian, 0.0011%; no homozygotes.

Submissions (3):

Ambry Genetics
Classification: Uncertain significance for Hereditary cancer-predisposing syndrome. Last evaluated: 2024-05-14. Review status: criteria provided, single submitter. Criteria: Ambry Variant Classification Scheme 2023. Collection method: clinical testing. Allele origin: germline.
Comment: The p.R1725Q variant (also known as c.5174G>A), located in coding exon 23 of the DICER1 gene, results from a G to A substitution at nucleotide position 5174. The arginine at codon 1725 is replaced by glutamine, an amino acid with highly similar properties. This amino acid position is highly conserved in available vertebrate species. In addition, the in silico prediction for this alteration is inconclusive. Based on the available evidence, the clinical significance of this variant remains unclear.

Labcorp Genetics (formerly Invitae), Labcorp
Classification: Uncertain significance for DICER1-related tumor predisposition. Last evaluated: 2022-04-22. Review status: criteria provided, single submitter. Criteria: Invitae Variant Classification Sherloc (09022015). Collection method: clinical testing. Allele origin: germline.
Comment: In summary, the available evidence is currently insufficient to determine the role of this variant in disease. Therefore, it has been classified as a Variant of Uncertain Significance. Algorithms developed to predict the effect of missense changes on protein structure and function are either unavailable or do not agree on the potential impact of this missense change (SIFT: "Deleterious"; PolyPhen-2: "Benign"; Align-GVGD: "Class C35"). ClinVar contains an entry for this variant (Variation ID: 933037). This variant has not been reported in the literature in individuals affected with DICER1-related conditions. This variant is present in population databases (rs751273916, gnomAD 0.006%). This sequence change replaces arginine, which is basic and polar, with glutamine, which is neutral and polar, at codon 1725 of the DICER1 protein (p.Arg1725Gln).

Foulkes Cancer Genetics LDI, Lady Davis Institute for Medical Research
Classification: Uncertain significance. Last evaluated: 2019-07-01. Review status: criteria provided, single submitter. Criteria: ACMG Guidelines, 2015. Collection method: curation. Allele origin: somatic. Affected: yes. Observed: 1 variant allele.
Comment: ACMG criteria met: PM1, PM2, PP3, BP1

Literature cited by the submitters: PubMed 23068969 (cited by Foulkes Cancer Genetics LDI, Lady Davis Institute for Medical Research).